The following is an entry in ClinVar:

NM_001042492.3(NF1):c.889-8392A>G

Gene: NF1 (neurofibromin 1; plus strand). Cytogenetic location: 17q11.2.
Variant type: single nucleotide variant.
Coding change: c.889-8392A>G on transcript NM_001042492.3 (MANE Select); 8392 bases into the intron before coding-DNA position 889, A replaced by G.
Molecular consequence: intron variant.
Genome position (GRCh38, 1-based): chr17:31,192,030, A>G. VCF-style: chr17-31192030-A-G. GRCh37 (hg19) VCF-style: chr17-29519048-A-G.
Other names: c.889-8392A>G (NM_000267.4, NM_001128147.3).
Identifiers: ClinVar variation 4038060 (VCV004038060.2).

ClinVar aggregate classification (germline): Likely pathogenic. Review status: criteria provided, multiple submitters, no conflicts (2 of 4 stars). 2 submissions from 2 submitters: Likely pathogenic (2). Last evaluated 2025-06-13.

Conditions:
Neurofibromatosis, type 1 (NF1). Also called: Peripheral type neurofibromatosis; Neurofibromatosis, type I; VON RECKLINGHAUSEN DISEASE; NEUROFIBROMATOSIS, TYPE I, SOMATIC. Identifiers: Orphanet 636, MedGen C0027831, MONDO:0018975, OMIM 162200. Disease mechanism: loss of function.
Cardiovascular phenotype. Identifiers: MedGen CN230736.
Hereditary cancer-predisposing syndrome. Also called: Neoplastic Syndromes, Hereditary; Tumor predisposition; Hereditary Cancer Syndrome; Hereditary neoplastic syndrome. Identifiers: Orphanet 140162, MedGen C0027672, MeSH D009386, MONDO:0015356.

Submissions (2):

Ambry Genetics
Classification: Likely pathogenic for Cardiovascular phenotype; Hereditary cancer-predisposing syndrome. Last evaluated: 2025-06-13. Review status: criteria provided, single submitter. Criteria: Ambry Variant Classification Scheme 2023. Collection method: clinical testing. Allele origin: germline.
Comment: The c.889-8392A>G intronic variant results from an A to G substitution 8392 nucleotides upstream from coding exon 9 in the NF1 gene. This variant was reported in individual(s) with features consistent with Neurofibromatosis type 1 (Koczkowska M et al. Hum Genet, 2023 Jul;142:849-861). This nucleotide position is highly conserved in available vertebrate species. In silico splice site analysis predicts that this alteration may result in the creation or strengthening of a novel splice donor site. RNA studies have demonstrated that this alteration results in inclusion of cryptic exons (Koczkowska M et al. Hum Genet, 2023 Jul;142:849-861; Ambry internal data). This variant is considered to be rare based on population cohorts in the Genome Aggregation Database (gnomAD). Based on the majority of available evidence to date, this variant is likely to be pathogenic.

Laboratory of Functional Genomics, Research Centre for Medical Genetics
Classification: Likely pathogenic for Neurofibromatosis, type 1. Review status: criteria provided, single submitter. Criteria: ACMG Guidelines, 2015. Collection method: clinical testing. Allele origin: germline. Inheritance: Autosomal dominant inheritance. Affected: yes. Observed: 1 variant allele, 1 heterozygote.
Comment: This variant is absent from the gnomAD population database, and the affected genomic position is highly conserved across species. SpliceAI predicts the creation of a new donor splice site. RNA analysis on skin fibroblasts demonstrated that the variant leads to pseudoexon inclusion, resulting in a frameshift (NP_000258.1:p.(Lys297_Val2818delinsValProValAspPheLeuTyrLeuLeuPheCysTyrValAlaSerSerSerLeu)). This variant was also previously reported by Koczkowska et al. (Hum Genet, 2023). Based on the available evidence, the variant can be classified as likely pathogenic (PM2, PS3, PP4).

Literature cited by the submitters: PubMed 37186028 (cited by Ambry Genetics and Laboratory of Functional Genomics, Research Centre for Medical Genetics).